The following is an entry in ClinVar:

NM_182961.4(SYNE1):c.25231G>C (p.Glu8411Gln)

Gene: SYNE1 (spectrin repeat containing nuclear envelope protein 1; minus strand). Cytogenetic location: 6q25.2.
Variant type: single nucleotide variant.
Coding change: c.25231G>C on transcript NM_182961.4 (MANE Select); coding-DNA position 25231, G replaced by C.
Protein change: p.Glu8411Gln; replaces glutamic acid 8411 with glutamine.
Molecular consequence: missense variant.
Genome position (GRCh38, 1-based): chr6:152,141,218, C>G on the plus strand (G>C on the coding strand, the complement: SYNE1 is on the minus strand). VCF-style: chr6-152141218-C-G. GRCh37 (hg19) VCF-style: chr6-152462353-C-G.
Other names: c.1837G>C, p.Glu613Gln (NM_001347701.2); c.1765G>C, p.Glu589Gln (NM_001347702.2); c.25087G>C, p.Glu8363Gln (NM_033071.5); short protein forms E613Q, E8411Q, E589Q, E8363Q.
Identifiers: ClinVar variation 1429026 (VCV001429026.8), dbSNP rs371211999, ClinGen allele CA4052893.
Genomic context (GRCh38, chr6:152,141,218, plus strand): 5'-GATCTTCTATTTCATTCACTCTTGAACTGGATGCTACGCACTCACCAGCCGTTTGGGTTT[C>G]GGTACTATGCAGGTTAACAAAGCCAGGAAGGCTCTCCTCTTCCTCCTTCAGTTTGTGCTC-3'
Protein context (NP_892006.3, residues 8401-8421): LPGFVNLHST[Glu8411Gln]TQTAGVIDRW

ClinVar aggregate classification (germline): Uncertain significance (1 of 4 stars; one submission).

Conditions:
Emery-Dreifuss muscular dystrophy 4, autosomal dominant (EDMD4). Also called: EMERY-DREIFUSS MUSCULAR DYSTROPHY 4 WITH VARIABLE FEATURES. Identifiers: Orphanet 261, MedGen C2751807, MONDO:0013071, OMIM 612998.
Autosomal recessive ataxia, Beauce type. Also called: Spinocerebellar ataxia, autosomal recessive 8; ATAXIA, RECESSIVE, OF BEAUCE; SYNE1 Deficiency; SYNE1-Related Autosomal Recessive Cerebellar Ataxia. Identifiers: Orphanet 88644, MedGen C1853116, MONDO:0012549, OMIM 610743.

Allele frequency attached by ClinVar (database versions not stated): TOPMed 0.00002; ESP Exome Variant Server 0.00008.
gnomAD v4.1: 6 of 1,613,244 alleles (0.00037%); highest among the groups gnomAD compares: African/African-American, 0.004%; no homozygotes.

Submission:

Labcorp Genetics (formerly Invitae), Labcorp
Classification: Uncertain significance for Emery-Dreifuss muscular dystrophy 4, autosomal dominant; Autosomal recessive ataxia, Beauce type. Last evaluated: 2021-01-16. Review status: criteria provided, single submitter. Criteria: Invitae Variant Classification Sherloc (09022015). Collection method: clinical testing. Allele origin: germline.
Comment: In summary, the available evidence is currently insufficient to determine the role of this variant in disease. Therefore, it has been classified as a Variant of Uncertain Significance. Algorithms developed to predict the effect of missense changes on protein structure and function are either unavailable or do not agree on the potential impact of this missense change (SIFT: "Deleterious"; PolyPhen-2: "Possibly Damaging"; Align-GVGD: "Class C0"). This variant has not been reported in the literature in individuals with SYNE1-related conditions. This variant is present in population databases (rs371211999, ExAC 0.02%). This sequence change replaces glutamic acid with glutamine at codon 8363 of the SYNE1 protein (p.Glu8363Gln). The glutamic acid residue is highly conserved and there is a small physicochemical difference between glutamic acid and glutamine.